The following is an entry in ClinVar:

ClinVar aggregate classification (germline): Uncertain significance (1 of 4 stars; one submission).

Conditions:
Autosomal dominant nocturnal frontal lobe epilepsy 5. Also called: KCNT1-Related Epilepsy; CILIARY DYSKINESIA, PRIMARY, 28, WITHOUT SITUS INVERSUS; CILIARY DYSKINESIA, PRIMARY, 28, WITH SITUS INVERSUS; Epilepsy, nocturnal frontal lobe, 5. Identifiers: Orphanet 98784, MedGen C3554306, MONDO:0014002, OMIM 615005.
Developmental and epileptic encephalopathy, 14 (DEE14). Also called: Early infantile epileptic encephalopathy 14. Identifiers: Orphanet 293181, MedGen C3554195, MONDO:0013989, OMIM 614959.

Allele frequency attached by ClinVar (database versions not stated): gnomAD exomes below 0.00001.
gnomAD v4.1: 4 of 1,613,402 alleles (0.00025%); highest among the groups gnomAD compares: South Asian, 0.0011%; no homozygotes.

Submission:

Labcorp Genetics (formerly Invitae), Labcorp
Classification: Uncertain significance for Autosomal dominant nocturnal frontal lobe epilepsy 5; Developmental and epileptic encephalopathy, 14. Last evaluated: 2020-10-16. Review status: criteria provided, single submitter. Criteria: Invitae Variant Classification Sherloc (09022015). Collection method: clinical testing. Allele origin: germline.
Comment: This sequence change replaces methionine with isoleucine at codon 387 of the KCNT1 protein (p.Met387Ile). The methionine residue is highly conserved and there is a small physicochemical difference between methionine and isoleucine. In summary, the available evidence is currently insufficient to determine the role of this variant in disease. Therefore, it has been classified as a Variant of Uncertain Significance. Algorithms developed to predict the effect of sequence changes on RNA splicing suggest that this variant may create or strengthen a splice site, but this prediction has not been confirmed by published transcriptional studies. Algorithms developed to predict the effect of missense changes on protein structure and function are either unavailable or do not agree on the potential impact of this missense change (SIFT: "Tolerated"; PolyPhen-2: "Possibly Damaging"; Align-GVGD: "Class C0"). This variant has not been reported in the literature in individuals with KCNT1-related conditions. This variant is not present in population databases (ExAC no frequency).

NM_020822.3(KCNT1):c.1161G>A (p.Met387Ile)

Gene: KCNT1 (potassium sodium-activated channel subfamily T member 1; plus strand). Cytogenetic location: 9q34.3.
Variant type: single nucleotide variant.
Coding change: c.1161G>A on transcript NM_020822.3 (MANE Select); coding-DNA position 1161, G replaced by A.
Protein change: p.Met387Ile; replaces methionine 387 with isoleucine.
Molecular consequence: missense variant.
Genome position (GRCh38, 1-based): chr9:135,765,156, G>A. VCF-style: chr9-135765156-G-A. GRCh37 (hg19) VCF-style: chr9-138657002-G-A.
Other names: c.1026G>A, p.Met342Ile (NM_001272003.2); short protein forms M342I, M387I.
Identifiers: ClinVar variation 1024866 (VCV001024866.9), dbSNP rs1832172453, ClinGen allele CA375500401.